The following is an entry in ClinVar:

NM_001558.4(IL10RA):c.1590C>G (p.Ser530Arg)

Gene: IL10RA (interleukin 10 receptor subunit alpha; plus strand). Cytogenetic location: 11q23.3.
Variant type: single nucleotide variant.
Coding change: c.1590C>G on transcript NM_001558.4 (MANE Select); coding-DNA position 1590, C replaced by G.
Protein change: p.Ser530Arg; replaces serine 530 with arginine.
Molecular consequence: missense variant. On other transcripts: non-coding transcript variant (1).
Genome position (GRCh38, 1-based): chr11:117,999,494, C>G. VCF-style: chr11-117999494-C-G. GRCh37 (hg19) VCF-style: chr11-117870209-C-G.
Other names: short protein forms S530R.
Identifiers: ClinVar variation 1413642 (VCV001413642.5), dbSNP rs2134997313, ClinGen allele CA382782055.
Genomic context (GRCh38, chr11:117,999,494, plus strand): 5'-GGCCCCAACGGGACAGTGGAACCAGCCCACTGAGGAATGGTCACTCCTGGCCTTGAGCAG[C>G]TGCAGTGACCTGGGAATATCTGACTGGAGCTTTGCCCATGACCTTGCCCCTCTAGGCTGT-3'
Protein context (NP_001549.2, residues 520-540): TEEWSLLALS[Ser530Arg]CSDLGISDWS

ClinVar aggregate classification (germline): Uncertain significance (1 of 4 stars; one submission).

Conditions:
Inflammatory bowel disease 28. Also called: Inflammatory bowel disease 28, early onset, autosomal recessive. Identifiers: Orphanet 238569, MedGen C2751053, MONDO:0013153, OMIM 613148.

Submission:

Labcorp Genetics (formerly Invitae), Labcorp
Classification: Uncertain significance for Inflammatory bowel disease 28. Last evaluated: 2022-03-08. Review status: criteria provided, single submitter. Criteria: Invitae Variant Classification Sherloc (09022015). Collection method: clinical testing. Allele origin: germline.
Comment: This sequence change replaces serine, which is neutral and polar, with arginine, which is basic and polar, at codon 530 of the IL10RA protein (p.Ser530Arg). This variant is not present in population databases (gnomAD no frequency). This variant has not been reported in the literature in individuals affected with IL10RA-related conditions. Algorithms developed to predict the effect of missense changes on protein structure and function output the following: SIFT: "Deleterious"; PolyPhen-2: "Benign"; Align-GVGD: "Class C65". The arginine amino acid residue is found in multiple mammalian species, which suggests that this missense change does not adversely affect protein function. Algorithms developed to predict the effect of sequence changes on RNA splicing suggest that this variant may create or strengthen a splice site. In summary, the available evidence is currently insufficient to determine the role of this variant in disease. Therefore, it has been classified as a Variant of Uncertain Significance.